The following is an entry in ClinVar:

ClinVar aggregate classification (germline): Likely pathogenic. Review status: reviewed by expert panel (3 of 4 stars). 6 submissions from 6 submitters: Likely pathogenic (1). 5 of the submissions do not count toward it. Last evaluated 2025-10-17.

Conditions:
Phenylketonuria (PKU). Also called: Phenylketonuria (PKU); FOLLING DISEASE; OLIGOPHRENIA PHENYLPYRUVICA; Phenylketonurias. Identifiers: Orphanet 716, MedGen C0031485, MONDO:0009861, OMIM 261600. Disease mechanism: loss of function.

Submissions (6):

ClinGen PAH Variant Curation Expert Panel
Classification: Likely pathogenic for Phenylketonuria. Last evaluated: 2025-10-17. Review status: reviewed by expert panel. Criteria: ClinGen PAH ACMG Specifications v1. Collection method: curation. Allele origin: germline. Inheritance: Autosomal recessive inheritance.
Comment: The NM_000277.3(PAH):c.183C>A variant in PAH is a missense variant predicted to cause substitution of asparagine by Lysine at amino acid 61 (p.Asn61Lys). This variant is absent from gnomAD v4.1.0 (PM2_Supporting). The computational predictor REVEL gives a score of 0.815, which is above the threshold of 0.773 but below 0.932, evidence that correlates with moderate impact to PAH function (PP3_Moderate). It is the same amino acid change as a previously established likely pathogenic variant c.183C>G (p.Asn61Lys). (PS1). In summary, this variant meets the criteria to be classified as likely pathogenic for autosomal recessive PAH deficiency based on the ACMG/AMP criteria applied, as specified by the ClinGen PAH VCEP: PM2_supporting, PP3_moderate, PS1 (Version 2.0, 7/16/2024).

Natera, Inc.
Classification: Likely pathogenic for Phenylketonuria. Last evaluated: 2024-11-22. Review status: criteria provided, single submitter. Criteria: Natera Variant Classification Schema (03/2026). Collection method: clinical testing. Allele origin: germline. Not counted in ClinVar's aggregate classification.
Comment: The c.183C>A variant in PAH is a missense variant predicted to cause substitution of asparagine to lysine at amino acid 61. This variant is rare in the general population with a frequency below the threshold expected for the associated phenotype(s). Another variant at this same site results in an alteration predicted to cause a similar molecular effect has been observed in individual(s) with the associated phenotype. Computational prediction algorithms indicate this variant is likely to affect gene or protein function. Given the available evidence, this variant is classified as Likely Pathogenic.

Baylor Genetics
Classification: Pathogenic for Phenylketonuria. Last evaluated: 2023-09-29. Review status: criteria provided, single submitter. Criteria: ACMG Guidelines, 2015. Collection method: clinical testing. Allele origin: unknown. Not counted in ClinVar's aggregate classification.

Labcorp Genetics (formerly Invitae), Labcorp
Classification: Pathogenic for Phenylketonuria. Last evaluated: 2023-08-23. Review status: criteria provided, single submitter. Criteria: Invitae Variant Classification Sherloc (09022015). Collection method: clinical testing. Allele origin: germline. Not counted in ClinVar's aggregate classification.
Comment: ClinVar contains an entry for this variant (Variation ID: 120269). This missense change has been observed in individual(s) with PAH-related conditions (PMID: 10234516, 27121329). This variant is not present in population databases (gnomAD no frequency). This sequence change replaces asparagine, which is neutral and polar, with lysine, which is basic and polar, at codon 61 of the PAH protein (p.Asn61Lys). Advanced modeling of protein sequence and biophysical properties (such as structural, functional, and spatial information, amino acid conservation, physicochemical variation, residue mobility, and thermodynamic stability) performed at Invitae indicates that this missense variant is not expected to disrupt PAH protein function. This variant disrupts the p.Asn61 amino acid residue in PAH. Other variant(s) that disrupt this residue have been determined to be pathogenic (PMID: 12501224; Invitae). This suggests that this residue is clinically significant, and that variants that disrupt this residue are likely to be disease-causing. For these reasons, this variant has been classified as Pathogenic.

Women's Health and Genetics/Laboratory Corporation of America, LabCorp
Classification: Likely pathogenic for Phenylketonuria. Last evaluated: 2023-08-22. Review status: criteria provided, single submitter. Criteria: LabCorp Variant Classification Summary - May 2015. Collection method: clinical testing. Allele origin: germline. Not counted in ClinVar's aggregate classification.
Comment: Variant summary: PAH c.183C>A (p.Asn61Lys) results in a non-conservative amino acid change located in the ACT domain (IPR002912) of the encoded protein sequence. Four of five in-silico tools predict a damaging effect of the variant on protein function. The variant was absent in 250918 control chromosomes (gnomAD). To our knowledge, no occurrence of c.183C>A in individuals affected with Phenylalanine Hydroxylase Deficiency (Phenylketonuria) and no experimental evidence demonstrating its impact on protein function have been reported. A different variant resulting in the same amino acid change (c.183C>G, p.Asn61Lys -CV ID 102618) has been classified pathogenic in ClinVar. Additionally, other variants affecting the same codon (p.Asn61Ser, p.Asn61Asp) have been classified pathogenic/likely pathogenic in ClinVar (CV ID 1514901, 102617). This suggests this residue may be critical for normal protein function. One submitter has cited clinical-significance assessments for this variant to ClinVar after 2014 and has classified the variant as pathogenic. Based on the evidence outlined above, the variant was classified as likely pathogenic.

Inserm U 954, Faculté de Médecine de Nancy
Classification: Likely pathogenic for Phenylketonuria. Review status: no assertion criteria provided. Collection method: not provided. Allele origin: unknown. Not counted in ClinVar's aggregate classification.
ClinVar note: Converted during submission from probable-pathogenic to Likely pathogenic.

Literature cited by the submitters: PubMed 10234516 (cited by Labcorp Genetics (formerly Invitae), Labcorp); PubMed 27121329 (cited by Labcorp Genetics (formerly Invitae), Labcorp); PubMed 12501224 (cited by Labcorp Genetics (formerly Invitae), Labcorp).

NM_000277.3(PAH):c.183C>A (p.Asn61Lys)

Gene: PAH (phenylalanine hydroxylase; minus strand). Cytogenetic location: 12q23.2.
Variant type: single nucleotide variant.
Coding change: c.183C>A on transcript NM_000277.3 (MANE Select); coding-DNA position 183, C replaced by A.
Protein change: p.Asn61Lys; replaces asparagine 61 with lysine.
Molecular consequence: missense variant.
Genome position (GRCh38, 1-based): chr12:102,894,904, G>T on the plus strand (C>A on the coding strand, the complement: PAH is on the minus strand). VCF-style: chr12-102894904-G-T. GRCh37 (hg19) VCF-style: chr12-103288682-G-T.
Other names: NM_000277.2(PAH):c.183C>A; p.Asn61Lys; c.183C>A (NM_000277.2); c.183C>A, p.Asn61Lys (NM_001354304.2); short protein forms N61K.
Identifiers: ClinVar variation 120269 (VCV000120269.12), dbSNP rs199475634, ClinGen allele CA267644.